The following is an entry in ClinVar:

NM_001303256.3(MORC2):c.1942A>G (p.Ser648Gly)

Gene: MORC2 (MORC family CW-type zinc finger 2; minus strand). Cytogenetic location: 22q12.2.
Variant type: single nucleotide variant.
Coding change: c.1942A>G on transcript NM_001303256.3 (MANE Select); coding-DNA position 1942, A replaced by G.
Protein change: p.Ser648Gly; replaces serine 648 with glycine.
Molecular consequence: missense variant.
Genome position (GRCh38, 1-based): chr22:30,935,032, T>C on the plus strand (A>G on the coding strand, the complement: MORC2 is on the minus strand). VCF-style: chr22-30935032-T-C. GRCh37 (hg19) VCF-style: chr22-31331019-T-C.
Other names: c.1942A>G, p.Ser648Gly (NM_001303257.2); c.1756A>G, p.Ser586Gly (NM_014941.3); short protein forms S586G, S648G.
Identifiers: ClinVar variation 644376 (VCV000644376.12), dbSNP rs200703581, ClinGen allele CA10186799.
Genomic context (GRCh38, chr22:30,935,032, plus strand): 5'-GCAGCCTAGATGTGCTGGCCTCCTCCCGGGCTGCCAAAGCAGGGAGCTTTGGGGTACTGC[T>C]GATGACAGGAGCCTTTCGGGGCTGGCTGGCTGGTCTAGGAGTTGGCAAAGAAGGGGGTCT-3'
Protein context (NP_001290185.1, residues 638-658): ASQPRKAPVI[Ser648Gly]STPKLPALAA

ClinVar aggregate classification (germline): Uncertain significance. Review status: criteria provided, multiple submitters, no conflicts (2 of 4 stars). 3 submissions from 3 submitters: Uncertain significance (3). Last evaluated 2024-10-17.

Conditions:
Inborn genetic diseases. Identifiers: MedGen C0950123, MeSH D030342.
Charcot-Marie-Tooth disease axonal type 2Z. Also called: CHARCOT-MARIE-TOOTH DISEASE, AXONAL, AUTOSOMAL DOMINANT, TYPE 2Z; CHARCOT-MARIE-TOOTH NEUROPATHY, TYPE 2Z. Identifiers: Orphanet 466768, MedGen C5569025, MONDO:0014736, OMIM 616688.

Allele frequency attached by ClinVar (database versions not stated): gnomAD 0.00001 and 0.00002; TOPMed 0.00001; ExAC 0.00002; gnomAD exomes 0.00002; 1000 Genomes Project 30x 0.00016; 1000 Genomes Project 0.00020.
gnomAD v4.1: 32 of 1,613,944 alleles (0.002%); highest among the groups gnomAD compares: Middle Eastern, 0.033%; no homozygotes.

Submissions (3):

Women's Health and Genetics/Laboratory Corporation of America, LabCorp
Classification: Uncertain significance. Last evaluated: 2024-10-17. Review status: criteria provided, single submitter. Criteria: LabCorp Variant Classification Summary - May 2015. Collection method: clinical testing. Allele origin: germline.
Comment: Variant summary: MORC2 c.1942A>G (p.Ser648Gly) results in a non-conservative amino acid change in the encoded protein sequence. Four of five in-silico tools predict a benign effect of the variant on protein function. The variant allele was found at a frequency of 2.4e-05 in 250928 control chromosomes. The available data on variant occurrences in the general population are insufficient to allow any conclusion about variant significance. To our knowledge, no occurrence of c.1942A>G in individuals affected with Charcot-Marie-Tooth disease axonal type 2Z and no experimental evidence demonstrating its impact on protein function have been reported. ClinVar contains an entry for this variant (Variation ID: 644376). Based on the evidence outlined above, the variant was classified as uncertain significance.

Labcorp Genetics (formerly Invitae), Labcorp
Classification: Uncertain significance for Charcot-Marie-Tooth disease axonal type 2Z. Last evaluated: 2024-07-30. Review status: criteria provided, single submitter. Criteria: Invitae Variant Classification Sherloc (09022015). Collection method: clinical testing. Allele origin: germline.
Comment: This sequence change replaces serine, which is neutral and polar, with glycine, which is neutral and non-polar, at codon 648 of the MORC2 protein (p.Ser648Gly). This variant is present in population databases (rs200703581, gnomAD 0.004%). This variant has not been reported in the literature in individuals affected with MORC2-related conditions. ClinVar contains an entry for this variant (Variation ID: 644376). Advanced modeling of protein sequence and biophysical properties (such as structural, functional, and spatial information, amino acid conservation, physicochemical variation, residue mobility, and thermodynamic stability) has been performed at Invitae for this missense variant, however the output from this modeling did not meet the statistical confidence thresholds required to predict the impact of this variant on MORC2 protein function. In summary, the available evidence is currently insufficient to determine the role of this variant in disease. Therefore, it has been classified as a Variant of Uncertain Significance.

Ambry Genetics
Classification: Uncertain significance for Inborn genetic diseases. Last evaluated: 2023-07-13. Review status: criteria provided, single submitter. Criteria: Ambry Variant Classification Scheme 2023. Collection method: clinical testing. Allele origin: germline.